The following is an entry in ClinVar:

ClinVar aggregate classification (germline): Uncertain significance (1 of 4 stars; one submission).

Conditions:
Developmental and epileptic encephalopathy 93. Also called: EPILEPTIC ENCEPHALOPATHY, INFANTILE OR EARLY CHILDHOOD, 3. Identifiers: MedGen C4693934, MONDO:0020632, OMIM 618012.

Allele frequency attached by ClinVar (database versions not stated): gnomAD 0.00001; gnomAD exomes 0.00001; 1000 Genomes Project 30x 0.00016; 1000 Genomes Project 0.00020.
gnomAD v4.1: 13 of 1,613,920 alleles (0.00081%); highest among the groups gnomAD compares: South Asian, 0.012%; no homozygotes.

Submission:

Neuberg Centre For Genomic Medicine, NCGM
Classification: Uncertain significance for Developmental and epileptic encephalopathy 93. Review status: criteria provided, single submitter. Criteria: ACMG Guidelines, 2015. Collection method: clinical testing. Allele origin: germline. Inheritance: Autosomal dominant inheritance. Affected: yes.
Comment: The missense variant c.1660G>A (p.Ala554Thr) in ATP6V1A gene has not been reported previously as a pathogenic variant nor as a benign variant, to our knowledge. The p.Ala554Thr variant is reported with allele frequency of 0.002% in gnomAD exomes and novel (not in any individuals) in 1000 Genomes. The amino acid Ala at position 554 is changed to a Thr changing protein sequence and it might alter its composition and physico-chemical properties. The amino acid change p.Ala554Thr in ATP6V1A is predicted as conserved by GERP++ and PhyloP across 100 vertebrates. For these reasons, this variant has been classified as Uncertain Significance .

NM_001690.4(ATP6V1A):c.1660G>A (p.Ala554Thr)

Gene: ATP6V1A (ATPase H+ transporting V1 subunit A; plus strand). Cytogenetic location: 3q13.31.
Variant type: single nucleotide variant.
Coding change: c.1660G>A on transcript NM_001690.4 (MANE Select); coding-DNA position 1660, G replaced by A.
Protein change: p.Ala554Thr; replaces alanine 554 with threonine.
Molecular consequence: missense variant.
Genome position (GRCh38, 1-based): chr3:113,805,424, G>A. VCF-style: chr3-113805424-G-A. GRCh37 (hg19) VCF-style: chr3-113524271-G-A.
Other names: short protein forms A554T.
Identifiers: ClinVar variation 2585058 (VCV002585058.1), dbSNP rs538832415, ClinGen allele CA2548124.
Genomic context (GRCh38, chr3:113,805,424, plus strand): 5'-TTCTACAAGACAGTAGGGATGCTGTCCAACATGATTGCATTTTATGATATGGCTCGTAGA[G>A]CTGTTGAAACCACTGCCCAGAGTGACAATAAAATCACATGGTCCATTATTCGTGAGCACA-3'
Protein context (NP_001681.2, residues 544-564): MIAFYDMARR[Ala554Thr]VETTAQSDNK